The following is an entry in ClinVar:

NM_000719.7(CACNA1C):c.719G>A (p.Arg240His)

Gene: CACNA1C (calcium voltage-gated channel subunit alpha1 C; plus strand). Cytogenetic location: 12p13.33.
Variant type: single nucleotide variant.
Coding change: c.719G>A on transcript NM_000719.7 (MANE Select); coding-DNA position 719, G replaced by A.
Protein change: p.Arg240His; replaces arginine 240 with histidine.
Molecular consequence: missense variant.
Genome position (GRCh38, 1-based): chr12:2,457,668, G>A. VCF-style: chr12-2457668-G-A. GRCh37 (hg19) VCF-style: chr12-2566834-G-A.
Other names: c.719G>A, p.Arg240His (NM_001129827.2, NM_001129829.2, NM_001129830.3 and 19 more transcripts); short protein forms R240H.
Identifiers: ClinVar variation 3900112 (VCV003900112.1).

ClinVar aggregate classification (germline): Uncertain significance (1 of 4 stars; one submission).

gnomAD v4.1: 1 of 1,607,786 alleles (0.000062%); highest among the groups gnomAD compares: Non-Finnish European, 0.000085%; no homozygotes.

Submission:

GeneDx
Classification: Uncertain significance. Last evaluated: 2024-11-25. Review status: criteria provided, single submitter. Criteria: GeneDx Variant Classification Process June 2021. Collection method: clinical testing. Allele origin: germline. Affected: yes.
Comment: Not observed at significant frequency in large population cohorts (gnomAD); In silico analysis supports that this missense variant has a deleterious effect on protein structure/function; Has not been previously published as pathogenic or benign to our knowledge